The following is an entry in ClinVar:

ClinVar aggregate classification (germline): Conflicting classifications of pathogenicity. Review status: criteria provided, conflicting classifications (1 of 4 stars). 2 submissions from 2 submitters: Uncertain significance (1); Likely benign (1). Last evaluated 2025-06-15.

gnomAD v4.1: 38 of 1,614,222 alleles (0.0024%); highest among the groups gnomAD compares: Non-Finnish European, 0.0031%; no homozygotes.

Submissions (2):

Labcorp Genetics (formerly Invitae), Labcorp
Classification: Uncertain significance. Last evaluated: 2025-06-15. Review status: criteria provided, single submitter. Criteria: Invitae Variant Classification Sherloc (09022015). Collection method: clinical testing. Allele origin: germline.
Comment: This sequence change replaces isoleucine, which is neutral and non-polar, with valine, which is neutral and non-polar, at codon 148 of the TRIT1 protein (p.Ile148Val). This variant is present in population databases (rs749004054, gnomAD 0.005%). This variant has not been reported in the literature in individuals affected with TRIT1-related conditions. Invitae Evidence Modeling of protein sequence and biophysical properties (such as structural, functional, and spatial information, amino acid conservation, physicochemical variation, residue mobility, and thermodynamic stability) indicates that this missense variant is not expected to disrupt TRIT1 protein function with a negative predictive value of 80%. In summary, the available evidence is currently insufficient to determine the role of this variant in disease. Therefore, it has been classified as a Variant of Uncertain Significance.

Blueprint Genetics
Classification: Likely benign. Last evaluated: 2024-09-13. Review status: criteria provided, single submitter. Criteria: ACMG Guidelines, 2015. Collection method: clinical testing. Allele origin: germline.

NM_017646.6(TRIT1):c.442A>G (p.Ile148Val)

Gene: TRIT1 (tRNA isopentenyltransferase 1; minus strand). Cytogenetic location: 1p34.2.
Variant type: single nucleotide variant.
Coding change: c.442A>G on transcript NM_017646.6 (MANE Select); coding-DNA position 442, A replaced by G.
Protein change: p.Ile148Val; replaces isoleucine 148 with valine.
Molecular consequence: missense variant.
Genome position (GRCh38, 1-based): chr1:39,852,849, T>C on the plus strand (A>G on the coding strand, the complement: TRIT1 is on the minus strand). VCF-style: chr1-39852849-T-C. GRCh37 (hg19) VCF-style: chr1-40318521-T-C.
Other names: c.442A>G, p.Ile148Val (NM_001312691.2); c.202A>G, p.Ile68Val (NM_001312692.2); short protein forms I148V, I68V.
Identifiers: ClinVar variation 4800977 (VCV004800977.2).